The following is an entry in ClinVar:

ClinVar aggregate classification (germline): Uncertain significance (0 of 4 stars; one submission).

Conditions:
PLXNA2-related disorder. Also called: PLXNA2-related condition.

gnomAD v4.1: 4 of 1,614,018 alleles (0.00025%); highest among the groups gnomAD compares: Non-Finnish European, 0.00034%; no homozygotes.

Submission:

PreventionGenetics, part of Exact Sciences
Classification: Uncertain significance for PLXNA2-related condition. Last evaluated: 2024-07-17. Review status: no assertion criteria provided. Collection method: clinical testing. Allele origin: germline.
Comment: The PLXNA2 c.4478A>G variant is predicted to result in the amino acid substitution p.Gln1493Arg. To our knowledge, this variant has not been reported in the literature or in a large population database, indicating this variant is rare. At this time, the clinical significance of this variant is uncertain due to the absence of conclusive functional and genetic evidence.

NM_025179.4(PLXNA2):c.4478A>G (p.Gln1493Arg)

Gene: PLXNA2 (plexin A2; minus strand). Cytogenetic location: 1q32.2.
Variant type: single nucleotide variant.
Coding change: c.4478A>G on transcript NM_025179.4 (MANE Select); coding-DNA position 4478, A replaced by G.
Protein change: p.Gln1493Arg; replaces glutamine 1493 with arginine.
Molecular consequence: missense variant.
Genome position (GRCh38, 1-based): chr1:208,039,643, T>C on the plus strand (A>G on the coding strand, the complement: PLXNA2 is on the minus strand). VCF-style: chr1-208039643-T-C. GRCh37 (hg19) VCF-style: chr1-208212988-T-C.
Other names: short protein forms Q1493R.
Identifiers: ClinVar variation 3348328 (VCV003348328.1).